The following is an entry in ClinVar:

NM_014974.3(DIP2C):c.2986-16T>G

Gene: DIP2C (DIP2 acetate--CoA ligase C (putative); minus strand). Cytogenetic location: 10p15.3.
Variant type: single nucleotide variant.
Coding change: c.2986-16T>G on transcript NM_014974.3 (MANE Select); 16 bases into the intron before coding-DNA position 2986, T replaced by G.
Molecular consequence: intron variant.
Genome position (GRCh38, 1-based): chr10:349,470, A>C on the plus strand (T>G on the coding strand, the complement: DIP2C is on the minus strand). VCF-style: chr10-349470-A-C. GRCh37 (hg19) VCF-style: chr10-395410-A-C.
Identifiers: ClinVar variation 2751995 (VCV002751995.3), dbSNP rs2540586667, ClinGen allele CA2697558245.
Genomic context (GRCh38, chr10:349,470, plus strand): 5'-TCTCTTGTGCAGCTGCACGCAGGTCAGCGAGTTCGCTATCGCACCCTGCGGGCCGATCAC[A>C]GGGACAAGCACATAAGATTCCTTCAGCAGAGCAGCTTGCAGAGAGCGCGCACGCGTCATA-3'

ClinVar aggregate classification (germline): Uncertain significance (1 of 4 stars; one submission).

Submission:

Labcorp Genetics (formerly Invitae), Labcorp
Classification: Uncertain significance. Last evaluated: 2023-11-27. Review status: criteria provided, single submitter. Criteria: Invitae Variant Classification Sherloc (09022015). Collection method: clinical testing. Allele origin: germline.
Comment: This sequence change falls in intron 24 of the DIP2C gene. It does not directly change the encoded amino acid sequence of the DIP2C protein. This variant is not present in population databases (gnomAD no frequency). This variant has not been reported in the literature in individuals affected with DIP2C-related conditions. Algorithms developed to predict the effect of sequence changes on RNA splicing suggest that this variant may disrupt the consensus splice site. In summary, the available evidence is currently insufficient to determine the role of this variant in disease. Therefore, it has been classified as a Variant of Uncertain Significance.